The following is an entry in ClinVar:

ClinVar aggregate classification (germline): Uncertain significance. Review status: criteria provided, multiple submitters, no conflicts (2 of 4 stars). 2 submissions from 2 submitters: Uncertain significance (2). Last evaluated 2024-01-08.

Allele frequency attached by ClinVar (database versions not stated): gnomAD exomes below 0.00001.
gnomAD v4.1: 3 of 1,601,574 alleles (0.00019%); highest among the groups gnomAD compares: Non-Finnish European, 0.00026%; no homozygotes.

Submissions (2):

Blueprint Genetics
Classification: Uncertain significance. Last evaluated: 2024-01-08. Review status: criteria provided, single submitter. Criteria: ACMG Guidelines, 2015. Collection method: clinical testing. Allele origin: germline.

Labcorp Genetics (formerly Invitae), Labcorp
Classification: Uncertain significance. Last evaluated: 2022-08-16. Review status: criteria provided, single submitter. Criteria: Invitae Variant Classification Sherloc (09022015). Collection method: clinical testing. Allele origin: germline.
Comment: Algorithms developed to predict the effect of missense changes on protein structure and function are either unavailable or do not agree on the potential impact of this missense change (SIFT: "Deleterious"; PolyPhen-2: "Probably Damaging"; Align-GVGD: "Class C0"). In summary, the available evidence is currently insufficient to determine the role of this variant in disease. Therefore, it has been classified as a Variant of Uncertain Significance. ClinVar contains an entry for this variant (Variation ID: 850738). This variant has not been reported in the literature in individuals affected with IMPG1-related conditions. This variant is not present in population databases (gnomAD no frequency). This sequence change replaces tyrosine, which is neutral and polar, with phenylalanine, which is neutral and non-polar, at codon 96 of the IMPG1 protein (p.Tyr96Phe).

NM_001563.4(IMPG1):c.287A>T (p.Tyr96Phe)

Gene: IMPG1 (interphotoreceptor matrix proteoglycan 1; minus strand). Cytogenetic location: 6q14.1.
Variant type: single nucleotide variant.
Coding change: c.287A>T on transcript NM_001563.4 (MANE Select); coding-DNA position 287, A replaced by T.
Protein change: p.Tyr96Phe; replaces tyrosine 96 with phenylalanine.
Molecular consequence: missense variant. On other transcripts: intron variant (1).
Genome position (GRCh38, 1-based): chr6:76,041,907, T>A on the plus strand (A>T on the coding strand, the complement: IMPG1 is on the minus strand). VCF-style: chr6-76041907-T-A. GRCh37 (hg19) VCF-style: chr6-76751624-T-A.
Other names: c.68-7120A>T (NM_001282368.2); short protein forms Y96F.
Identifiers: ClinVar variation 850738 (VCV000850738.10), dbSNP rs1783848950, ClinGen allele CA364829558.